The following is an entry in ClinVar:

NM_000397.4(CYBB):c.1082G>A (p.Trp361Ter)

Gene: CYBB (cytochrome b-245 beta chain; plus strand). Cytogenetic location: Xp11.4.
Variant type: single nucleotide variant.
Coding change: c.1082G>A on transcript NM_000397.4 (MANE Select); coding-DNA position 1082, G replaced by A.
Protein change: p.Trp361Ter; replaces tryptophan 361 with a stop codon.
Molecular consequence: nonsense.
Genome position (GRCh38, 1-based): chrX:37,804,061, G>A. VCF-style: chrX-37804061-G-A. GRCh37 (hg19) VCF-style: chrX-37663314-G-A.
Other names: c.1082G>A (NM_000397.3); short protein forms W361*.
Identifiers: ClinVar variation 1367808 (VCV001367808.9), dbSNP rs2146817207, ClinGen allele CA412977427.

ClinVar aggregate classification (germline): Pathogenic. Review status: criteria provided, multiple submitters, no conflicts (2 of 4 stars). 2 submissions from 2 submitters: Pathogenic (2). Last evaluated 2024-12-31.

Conditions:
Granulomatous disease, chronic, X-linked. Also called: CYTOCHROME b-NEGATIVE GRANULOMATOUS DISEASE, CHRONIC, X-LINKED; GRANULOMATOUS DISEASE, CHRONIC, X-LINKED, SOMATIC MOSAIC. Identifiers: Orphanet 379, MedGen C1844376, MONDO:0010600, OMIM 306400.

Submissions (2):

GeneDx
Classification: Pathogenic. Last evaluated: 2024-12-31. Review status: criteria provided, single submitter. Criteria: GeneDx Variant Classification Process June 2021. Collection method: clinical testing. Allele origin: germline. Affected: yes.
Comment: Observed in hemizygous state in a patient with X-linked chronic granulomatous disease in the literature and not observed in hemizygous state in controls (PMID: 20729109, 29560547); Nonsense variant predicted to result in protein truncation or nonsense mediated decay in a gene for which loss of function is a known mechanism of disease; Not observed at significant frequency in large population cohorts (gnomAD); This variant is associated with the following publications: (PMID: 25525159, 20729109, 29560547)

Labcorp Genetics (formerly Invitae), Labcorp
Classification: Pathogenic for Granulomatous disease, chronic, X-linked. Last evaluated: 2024-06-23. Review status: criteria provided, single submitter. Criteria: Invitae Variant Classification Sherloc (09022015). Collection method: clinical testing. Allele origin: germline.
Comment: This sequence change creates a premature translational stop signal (p.Trp361*) in the CYBB gene. It is expected to result in an absent or disrupted protein product. Loss-of-function variants in CYBB are known to be pathogenic (PMID: 9585602, 20729109). This variant is not present in population databases (gnomAD no frequency). This premature translational stop signal has been observed in individual(s) with CYBB-related conditions (PMID: 20729109, 29560547). ClinVar contains an entry for this variant (Variation ID: 1367808). For these reasons, this variant has been classified as Pathogenic.

Literature cited by the submitters: PubMed 9585602 (cited by Labcorp Genetics (formerly Invitae), Labcorp); PubMed 20729109 (cited by Labcorp Genetics (formerly Invitae), Labcorp); PubMed 29560547 (cited by Labcorp Genetics (formerly Invitae), Labcorp).